The following is an entry in ClinVar:

ClinVar aggregate classification (germline): Uncertain significance (1 of 4 stars; one submission).

Conditions:
PEX13-related disorder. Also called: PEX13-related condition; PEX13-related disorders.

Submission:

PreventionGenetics, part of Exact Sciences
Classification: Uncertain significance for PEX13-related condition. Last evaluated: 2024-10-18. Review status: criteria provided, single submitter. Criteria: ACMG Guidelines, 2015. Collection method: clinical testing. Allele origin: germline.
Comment: The PEX13 c.910A>C variant is predicted to result in the amino acid substitution p.Lys304Gln. To our knowledge, this variant has not been reported in the literature or in a large population database (gnomAD), indicating this variant is rare. At this time, the clinical significance of this variant is uncertain due to the absence of conclusive functional and genetic evidence.

NM_002618.4(PEX13):c.910A>C (p.Lys304Gln)

Gene: PEX13 (peroxisomal biogenesis factor 13; plus strand). Cytogenetic location: 2p15.
Variant type: single nucleotide variant.
Coding change: c.910A>C on transcript NM_002618.4 (MANE Select); coding-DNA position 910, A replaced by C.
Protein change: p.Lys304Gln; replaces lysine 304 with glutamine.
Molecular consequence: missense variant.
Genome position (GRCh38, 1-based): chr2:61,045,848, A>C. VCF-style: chr2-61045848-A-C. GRCh37 (hg19) VCF-style: chr2-61272983-A-C.
Other names: short protein forms K304Q.
Identifiers: ClinVar variation 5002128 (VCV005002128.1).